The following is an entry in ClinVar:

ClinVar aggregate classification (germline): Uncertain significance (1 of 4 stars; one submission).

gnomAD v4.1: 18 of 1,325,824 alleles (0.0014%); highest among the groups gnomAD compares: Non-Finnish European, 0.0015%; no homozygotes.

Submission:

Labcorp Genetics (formerly Invitae), Labcorp
Classification: Uncertain significance. Last evaluated: 2025-03-22. Review status: criteria provided, single submitter. Criteria: Invitae Variant Classification Sherloc (09022015). Collection method: clinical testing. Allele origin: germline.
Comment: This sequence change replaces glutamine, which is neutral and polar, with histidine, which is basic and polar, at codon 95 of the IRF2BP2 protein (p.Gln95His). This variant is not present in population databases (gnomAD no frequency). This variant has not been reported in the literature in individuals affected with IRF2BP2-related conditions. An algorithm developed to predict the effect of missense changes on protein structure and function (PolyPhen-2) suggests that this variant is likely to be tolerated. In summary, the available evidence is currently insufficient to determine the role of this variant in disease. Therefore, it has been classified as a Variant of Uncertain Significance.

NM_182972.3(IRF2BP2):c.285G>C (p.Gln95His)

Genes: IRF2BP2 (interferon regulatory factor 2 binding protein 2; minus strand), LOC129932812 (ATAC-STARR-seq lymphoblastoid silent region 1977; plus strand). Cytogenetic location: 1q42.3.
Variant type: single nucleotide variant.
Coding change: c.285G>C on transcript NM_182972.3 (MANE Select); coding-DNA position 285, G replaced by C.
Protein change: p.Gln95His; replaces glutamine 95 with histidine.
Molecular consequence: missense variant.
Genome position (GRCh38, 1-based): chr1:234,609,210, C>G on the plus strand (G>C on the coding strand, the complement: IRF2BP2 is on the minus strand). VCF-style: chr1-234609210-C-G. GRCh37 (hg19) VCF-style: chr1-234744956-C-G.
Other names: c.285G>C, p.Gln95His (NM_001077397.1); short protein forms Q95H.
Identifiers: ClinVar variation 4715846 (VCV004715846.1).